The following is an entry in ClinVar:

NC_000001.10:g.(?_120282989)_(120283161_?)del

Gene: PHGDH (phosphoglycerate dehydrogenase; plus strand). Cytogenetic location: 1p12.
Variant type: Deletion.
Identifiers: ClinVar variation 3247780 (VCV003247780.1).

ClinVar aggregate classification (germline): Pathogenic (1 of 4 stars; one submission).

Conditions:
PHGDH deficiency. Identifiers: Orphanet 79351, MedGen C1866174, MONDO:0011152, OMIM 601815.

Submission:

Labcorp Genetics (formerly Invitae), Labcorp
Classification: Pathogenic for PHGDH deficiency. Last evaluated: 2022-10-10. Review status: criteria provided, single submitter. Criteria: Invitae Variant Classification Sherloc (09022015). Collection method: clinical testing. Allele origin: unknown.
Comment: This variant is a gross deletion of the genomic region encompassing exon(s) 9 of the PHGDH gene. This deletion is out-of-frame, and is expected to create a premature termination codon and result in an absent or disrupted protein product. Loss-of-function variants in PHGDH are known to be pathogenic (PMID: 14645240, 24836451). This variant has not been reported in the literature in individuals affected with PHGDH-related conditions. For these reasons, this variant has been classified as Pathogenic.

Literature cited by the submitters: PubMed 14645240; PubMed 24836451.